The following is an entry in ClinVar:

ClinVar aggregate classification (germline): Pathogenic (1 of 4 stars; one submission).

Conditions:
Cohen syndrome (COH1). Also called: PEPPER SYNDROME; Cutis verticis gyrata, retinitis pigmentosa, and sensorineural deafness. Identifiers: Orphanet 193, MedGen C0265223, MONDO:0008999, OMIM 216550.

gnomAD v4.1: 1 of 1,614,224 alleles (0.000062%); highest among the groups gnomAD compares: Non-Finnish European, 0.000085%; no homozygotes.

Submission:

Labcorp Genetics (formerly Invitae), Labcorp
Classification: Pathogenic for Cohen syndrome. Last evaluated: 2022-11-24. Review status: criteria provided, single submitter. Criteria: Invitae Variant Classification Sherloc (09022015). Collection method: clinical testing. Allele origin: germline.
Comment: For these reasons, this variant has been classified as Pathogenic. This variant has not been reported in the literature in individuals affected with VPS13B-related conditions. This variant is not present in population databases (gnomAD no frequency). This sequence change creates a premature translational stop signal (p.Gln3836*) in the VPS13B gene. It is expected to result in an absent or disrupted protein product. Loss-of-function variants in VPS13B are known to be pathogenic (PMID: 15141358, 16648375, 20461111).

Literature cited by the submitters: PubMed 15141358; PubMed 16648375; PubMed 20461111.

NM_152564.5(VPS13B):c.11431C>T (p.Gln3811Ter)

Gene: VPS13B (vacuolar protein sorting 13 homolog B; plus strand). Cytogenetic location: 8q22.2.
Variant type: single nucleotide variant.
Coding change: c.11431C>T on transcript NM_152564.5 (MANE Select); coding-DNA position 11431, C replaced by T.
Protein change: p.Gln3811Ter; replaces glutamine 3811 with a stop codon.
Molecular consequence: nonsense.
Genome position (GRCh38, 1-based): chr8:99,870,823, C>T. VCF-style: chr8-99870823-C-T. GRCh37 (hg19) VCF-style: chr8-100883051-C-T.
Other names: c.11506C>T, p.Gln3836Ter (NM_017890.5); short protein forms Q3811*, Q3836*.
Identifiers: ClinVar variation 2816203 (VCV002816203.3), dbSNP rs1269999933, ClinGen allele CA371793618.